The following is an entry in ClinVar:

NM_002880.4(RAF1):c.302T>G (p.Leu101Arg)

Gene: RAF1 (Raf-1 proto-oncogene, serine/threonine kinase; minus strand). Cytogenetic location: 3p25.2.
Variant type: single nucleotide variant.
Coding change: c.302T>G on transcript NM_002880.4 (MANE Select); coding-DNA position 302, T replaced by G.
Protein change: p.Leu101Arg; replaces leucine 101 with arginine.
Molecular consequence: missense variant. On other transcripts: non-coding transcript variant (3), intron variant (4).
Genome position (GRCh38, 1-based): chr3:12,611,968, A>C on the plus strand (T>G on the coding strand, the complement: RAF1 is on the minus strand). VCF-style: chr3-12611968-A-C. GRCh37 (hg19) VCF-style: chr3-12653467-A-C.
Other names: c.302T>G, p.Leu101Arg (NM_001354689.3, NM_001354690.3, NM_001354693.3); c.78-2633T>G (NM_001354695.3, NM_001354692.3, NM_001354694.3 and 1 more transcripts); short protein forms L101R.
Identifiers: ClinVar variation 3343606 (VCV003343606.1).

ClinVar aggregate classification (germline): Uncertain significance (1 of 4 stars; one submission).

Submission:

GeneDx
Classification: Uncertain significance. Last evaluated: 2023-05-18. Review status: criteria provided, single submitter. Criteria: GeneDx Variant Classification Process June 2021. Collection method: clinical testing. Allele origin: germline. Affected: yes.
Comment: Not observed at significant frequency in large population cohorts (gnomAD); Missense variants in this gene are often considered pathogenic (HGMD); In silico analysis supports that this missense variant has a deleterious effect on protein structure/function; Has not been previously published as pathogenic or benign to our knowledge; Located in the CR1 and RAS-binding domains (Gelb et al., 2018); This variant is associated with the following publications: (PMID: 29493581)